The following is an entry in ClinVar:

NM_004278.4(PIGL):c.*254T>C

Gene: PIGL (phosphatidylinositol glycan anchor biosynthesis class L; plus strand). Cytogenetic location: 17p11.2.
Variant type: single nucleotide variant.
Coding change: c.*254T>C on transcript NM_004278.4 (MANE Select); 254 bases downstream of the stop codon, T replaced by C.
Molecular consequence: 3 prime UTR variant.
Genome position (GRCh38, 1-based): chr17:16,326,152, T>C. VCF-style: chr17-16326152-T-C. GRCh37 (hg19) VCF-style: chr17-16229466-T-C.
Identifiers: ClinVar variation 321994 (VCV000321994.32), dbSNP rs144070256, ClinGen allele CA10649562.

ClinVar aggregate classification (germline): Benign/Likely benign. Review status: criteria provided, multiple submitters, no conflicts (2 of 4 stars). 3 submissions from 3 submitters: Benign (1); Likely benign (2). Last evaluated 2023-06-01.

Conditions:
CHIME syndrome (CHIME). Also called: GLYCOSYLPHOSPHATIDYLINOSITOL BIOSYNTHESIS DEFECT 5; COLOBOMA, CONGENITAL HEART DISEASE, ICHTHYOSIFORM DERMATOSIS, IMPAIRED INTELLECTUAL DEVELOPMENT, AND EAR ANOMALIES SYNDROME. Identifiers: Orphanet 3474, MedGen C1848392, MONDO:0010221, OMIM 280000.

Allele frequency attached by ClinVar (database versions not stated): 1000 Genomes Project 0.00499; 1000 Genomes Project 30x 0.00500; gnomAD 0.00808 and 0.00867; TOPMed 0.00857; gnomAD exomes 0.00994.
gnomAD v4.1: 4,335 of 459,844 alleles (0.94%); highest among the groups gnomAD compares: Non-Finnish European, 1.3%; 41 homozygotes.

Submissions (3):

CeGaT Center for Human Genetics Tuebingen
Classification: Benign. Last evaluated: 2023-06-01. Review status: criteria provided, single submitter. Criteria: CeGaT Center For Human Genetics Tuebingen Variant Classification Criteria Version 2. Collection method: clinical testing. Allele origin: germline. Affected: yes. Observed: 6 variant alleles.
Comment: PIGL: BS1, BS2

GeneDx
Classification: Likely benign. Last evaluated: 2019-10-29. Review status: criteria provided, single submitter. Criteria: GeneDx Variant Classification Process June 2021. Collection method: clinical testing. Allele origin: germline. Affected: yes.

Illumina Laboratory Services, Illumina
Classification: Likely benign for CHIME syndrome. Last evaluated: 2018-01-12. Review status: criteria provided, single submitter. Criteria: ICSL Variant Classification Criteria 13 December 2019. Collection method: clinical testing. Allele origin: germline.
Comment: This variant was observed in the ICSL laboratory as part of a predisposition screen in an ostensibly healthy population. It had not been previously curated by ICSL or reported in the Human Gene Mutation Database (HGMD: prior to June 1st, 2018), and was therefore a candidate for classification through an automated scoring system. Utilizing variant allele frequency, disease prevalence and penetrance estimates, and inheritance mode, an automated score was calculated to assess if this variant is too frequent to cause the disease. Based on the score and internal cut-off values, a variant classified as likely benign is not then subjected to further curation. The score for this variant resulted in a classification of likely benign for this disease.